The following is an entry in ClinVar:

ClinVar aggregate classification (germline): Pathogenic (1 of 4 stars; one submission).

Conditions:
Primary ciliary dyskinesia 3. Identifiers: Orphanet 244, MedGen C1837618, MONDO:0012085, OMIM 608644.

Submission:

Myriad Genetics, Inc.
Classification: Pathogenic for Primary ciliary dyskinesia 3. Last evaluated: 2024-05-14. Review status: criteria provided, single submitter. Criteria: Myriad Autosomal Dominant, Autosomal Recessive and X-Linked Classification Criteria (2023). Collection method: clinical testing. Allele origin: unknown.
Comment: NM_001369.2(DNAH5):c.5430_5431ins7(I1811Sfs*12) is expected to be pathogenic in the context of primary ciliary dyskinesia, DNAH5-related. This variant is predicted to lead to an abnormal or absent protein product due to the creation of a premature termination codon in DNAH5, a gene where loss-of-function variants are known to be pathogenic. Please note: this variant was assessed in the context of healthy population screening.

NM_001369.3(DNAH5):c.5430_5431insTCCTTGA (p.Ile1811fs)

Gene: DNAH5 (dynein axonemal heavy chain 5; minus strand). Cytogenetic location: 5p15.2.
Variant type: Insertion.
Coding change: c.5430_5431insTCCTTGA on transcript NM_001369.3 (MANE Select); coding-DNA positions 5430 to 5431, TCCTTGA inserted.
Protein change: p.Ile1811fs; shifts the reading frame from isoleucine 1811.
Molecular consequence: frameshift variant.
Genome position: GRCh38 VCF-style: chr5-13841745-T-TTCAAGGA. GRCh37 (hg19) VCF-style: chr5-13841854-T-TTCAAGGA.
Other names: short protein forms I1811fs.
Identifiers: ClinVar variation 5010673 (VCV005010673.1).